The following is an entry in ClinVar:

NM_001080397.3(SLC45A1):c.1110G>A (p.Thr370=)

Gene: SLC45A1 (solute carrier family 45 member 1; plus strand). Cytogenetic location: 1p36.23.
Variant type: single nucleotide variant.
Coding change: c.1110G>A on transcript NM_001080397.3 (MANE Select); coding-DNA position 1110, G replaced by A.
Protein change: p.Thr370=; no amino-acid change (threonine 370 retained).
Molecular consequence: synonymous variant.
Genome position (GRCh38, 1-based): chr1:8,330,603, G>A. VCF-style: chr1-8330603-G-A. GRCh37 (hg19) VCF-style: chr1-8390663-G-A.
Other names: c.1110G>A, p.Thr370= (NM_001379614.1); c.1017G>A, p.Thr339= (NM_001379615.1, NM_001379616.1); c.504G>A, p.Thr168= (NM_001379617.1, NM_001379618.1).
Identifiers: ClinVar variation 3250827 (VCV003250827.18), dbSNP rs752215389.

ClinVar aggregate classification (germline): Likely benign (1 of 4 stars; one submission).

Allele frequency attached by ClinVar (database versions not stated): gnomAD exomes 0.00001; ExAC 0.00003.

Submission:

CeGaT Center for Human Genetics Tuebingen
Classification: Likely benign. Last evaluated: 2024-06-01. Review status: criteria provided, single submitter. Criteria: CeGaT Center For Human Genetics Tuebingen Variant Classification Criteria Version 2. Collection method: clinical testing. Allele origin: germline. Affected: yes. Observed: 1 variant allele.
Comment: SLC45A1: BP4, BP7